The following is an entry in ClinVar:

ClinVar aggregate classification (germline): Uncertain significance (1 of 4 stars; one submission).

Conditions:
SLC16A2-related disorder. Also called: SLC16A2-related condition.

Allele frequency attached by ClinVar (database versions not stated): gnomAD exomes below 0.00001; ExAC 0.00001.
gnomAD v4.1: 1 of 1,211,411 alleles (0.000083%); highest among the groups gnomAD compares: Non-Finnish European, 0.00011%; no homozygotes.

Submission:

PreventionGenetics, part of Exact Sciences
Classification: Uncertain significance for SLC16A2-related condition. Last evaluated: 2022-09-12. Review status: criteria provided, single submitter. Criteria: ACMG Guidelines, 2015. Collection method: clinical testing. Allele origin: germline.
Comment: The SLC16A2 c.732G>A variant is predicted to result in the amino acid substitution p.Met244Ile. To our knowledge, this variant has not been reported in the literature. This variant is reported in 0.0012% of alleles in individuals of European (Non-Finnish) descent in gnomAD. At this time, the clinical significance of this variant is uncertain due to the absence of conclusive functional and genetic evidence.

NM_006517.5(SLC16A2):c.732G>A (p.Met244Ile)

Gene: SLC16A2 (solute carrier family 16 member 2; plus strand). Cytogenetic location: Xq13.2.
Variant type: single nucleotide variant.
Coding change: c.732G>A on transcript NM_006517.5 (MANE Select); coding-DNA position 732, G replaced by A.
Protein change: p.Met244Ile; replaces methionine 244 with isoleucine.
Molecular consequence: missense variant.
Genome position (GRCh38, 1-based): chrX:74,524,515, G>A. VCF-style: chrX-74524515-G-A. GRCh37 (hg19) VCF-style: chrX-73744350-G-A.
Other names: short protein forms M244I.
Identifiers: ClinVar variation 2629338 (VCV002629338.1), dbSNP rs756584348, ClinGen allele CA10454457.